The following is an entry in ClinVar:

ClinVar aggregate classification (germline): Pathogenic/Likely pathogenic. Review status: criteria provided, multiple submitters, no conflicts (2 of 4 stars). 10 submissions from 10 submitters: Pathogenic (4); Likely pathogenic (5). 1 of the submissions does not count toward it. Last evaluated 2025-09-25.

Conditions:
Wilson disease (WND). Also called: Wilson's disease. Identifiers: Orphanet 905, MedGen C0019202, MONDO:0010200, OMIM 277900. Disease mechanism: loss of function.

Allele frequency attached by ClinVar (database versions not stated): TOPMed 0.00002.
gnomAD v4.1: 1 of 1,614,142 alleles (0.000062%); highest among the groups gnomAD compares: East Asian, 0.0022%; no homozygotes.

Submissions (10):

Natera, Inc.
Classification: Pathogenic for Wilson disease. Last evaluated: 2025-09-25. Review status: criteria provided, single submitter. Criteria: Natera Variant Classification Schema (03/2026). Collection method: clinical testing. Allele origin: germline.
Comment: The c.2662A>C variant in ATP7B is a missense variant predicted to cause substitution of threonine to proline at amino acid 888. This variant is rare in the general population with a frequency below the threshold expected for the associated phenotype(s). This variant has been observed in one or more individuals affected with the associated recessive disease, as either homozygous or compound heterozygous with a second variant (PMID: 37020998, 35220961). Computational prediction algorithms indicate this variant is likely to affect gene or protein function. Given the available evidence, this variant is classified as Pathogenic.

Color Diagnostics, LLC DBA Color Health
Classification: Likely pathogenic for Wilson disease. Last evaluated: 2025-07-25. Review status: criteria provided, single submitter. Criteria: ACMG Guidelines, 2015. Collection method: clinical testing. Allele origin: germline.
Comment: This missense variant replaces threonine with proline at codon 888 of the ATP7B protein. Computational prediction suggests that this variant may have deleterious impact on protein structure and function. This variant alters a conserved threonine residue in the Actuator domain of the ATP7B protein (a.a. 786 - 917), a highly conserved region that is considered to be important for ATP7B protein function (PMID: 35245129ClinVar). To our knowledge, functional studies have not been reported for this variant. This variant has been observed in individuals affected with autosomal recessive Wilson disease, including in the compound heterozygous state (PMID: 23843956, 24146181, 27022412, 27398169, 30384382, 30702195, 33879678, 34240825, 34324271, 35222532, 35470480). This variant has not been identified in the general population by the Genome Aggregation Database (gnomAD). Based on the available evidence, this variant is classified as Likely Pathogenic.

Fulgent Genetics
Classification: Likely pathogenic for Wilson disease. Last evaluated: 2024-03-31. Review status: criteria provided, single submitter. Criteria: ACMG Guidelines, 2015. Collection method: clinical testing. Allele origin: germline.

GeneDx
Classification: Likely pathogenic. Last evaluated: 2024-03-16. Review status: criteria provided, single submitter. Criteria: GeneDx Variant Classification Process June 2021. Collection method: clinical testing. Allele origin: germline. Affected: yes.
Comment: Not observed at significant frequency in large population cohorts (gnomAD); In silico analysis supports that this missense variant has a deleterious effect on protein structure/function; This variant is associated with the following publications: (PMID: 30275481, 18034201, 34240825, 34324271, 35470480, 22692182, 30655162, 37990382)

Baylor Genetics
Classification: Pathogenic for Wilson disease. Last evaluated: 2024-01-24. Review status: criteria provided, single submitter. Criteria: ACMG Guidelines, 2015. Collection method: clinical testing. Allele origin: unknown.

Labcorp Genetics (formerly Invitae), Labcorp
Classification: Pathogenic for Wilson disease. Last evaluated: 2023-11-03. Review status: criteria provided, single submitter. Criteria: Invitae Variant Classification Sherloc (09022015). Collection method: clinical testing. Allele origin: germline.
Comment: This sequence change replaces threonine, which is neutral and polar, with proline, which is neutral and non-polar, at codon 888 of the ATP7B protein (p.Thr888Pro). This variant is not present in population databases (gnomAD no frequency). This missense change has been observed in individual(s) with Wilson disease (PMID: 23843956, 27398169). ClinVar contains an entry for this variant (Variation ID: 642900). Advanced modeling of protein sequence and biophysical properties (such as structural, functional, and spatial information, amino acid conservation, physicochemical variation, residue mobility, and thermodynamic stability) performed at Invitae indicates that this missense variant is expected to disrupt ATP7B protein function with a positive predictive value of 80%. For these reasons, this variant has been classified as Pathogenic.

ARUP Laboratories, Molecular Genetics and Genomics, ARUP Laboratories
Classification: Likely pathogenic for Wilson disease. Last evaluated: 2021-10-11. Review status: criteria provided, single submitter. Criteria: ARUP Molecular Germline Variant Investigation Process 2021. Collection method: clinical testing. Allele origin: germline.
Comment: The ATP7B c.2662A>C; p.Thr888Pro variant (rs1455758826) is reported in the literature in several individuals with Wilson disease and many were reported to carry an additional pathogenic ATP7B variant presumably in trans (Chen 2019, Gu 2013, Hua 2016, Li 2011, Mak 2008, Xiao 2019). The p.Thr888Pro variant is reported in ClinVar (Variation ID: 642900). It is absent from general population databases (Exome Variant Server, Genome Aggregation Database), indicating it is not a common polymorphism. The threonine at codon 888 is highly conserved, and computational analyses predict that this variant is deleterious (REVEL: 0.934). Based on available information, the p.Thr888Pro variant is considered to be likely pathogenic. References: Chen YC et al. Contribution of intragenic deletions to mutation spectrum in Chinese patients with Wilson's disease and possible mechanism underlying ATP7B gross deletions. Parkinsonism Relat Disord. 2019 May;62:128-133. PMID: 30655162. Gu S et al. Novel ATPase Cu(2+) transporting beta polypeptide mutations in Chinese families with Wilson's disease. PLoS One. 2013 Jul 2;8(7):e66526. PMID: 23843956. Hua R et al. Mutational analysis of ATP7B in Chinese Wilson disease patients. Am J Transl Res. 2016 Jun 15;8(6):2851-61. PMID: 27398169. Li XH et al. Clinical and molecular characterization of Wilson's disease in China: identification of 14 novel mutations. BMC Med Genet. 2011 Jan 11;12:6. PMID: 21219664. Mak CM et al. Mutational analysis of 65 Wilson disease patients in Hong Kong Chinese: identification of 17 novel mutations and its genetic heterogeneity. J Hum Genet. 2008;53(1):55-63. Epub 2007 Nov 22. PMID: 18034201. Xiao H et al. Mutation Analysis of the ATP7B Gene in Seven Chinese Families with Wilson's Disease. Digestion. 2019;99(4):319-326. PMID: 30384382.

Genome-Nilou Lab
Classification: Likely pathogenic for Wilson disease. Last evaluated: 2021-08-10. Review status: criteria provided, single submitter. Criteria: ACMG Guidelines, 2015. Collection method: clinical testing. Allele origin: germline. Affected: no.

Juno Genomics, Hangzhou Juno Genomics, Inc
Classification: Pathogenic for Wilson disease. Review status: criteria provided, single submitter. Criteria: ACMG Guidelines, 2015. Collection method: clinical testing. Allele origin: germline. Affected: yes.
Comment: Absent from controls (or at extremely low frequency if recessive) in Genome Aggregation Database.;Multiple lines of computational evidence support a deleterious effect on the gene or gene product.;For recessive disorders, detected in trans with a pathogenic variant.;Patient's phenotype or family history is highly specific for a disease with a single genetic etiology.

Chongqing Key Laboratory of Child Rare Diseases in Infection and Immunity, Children’s Hospital of Chongqing Medical University
Classification: Uncertain significance for Wilson disease. Last evaluated: 2024-01-01. Review status: flagged submission. Criteria: ACMG Guidelines, 2015. Collection method: clinical testing. Allele origin: germline. Inheritance: Autosomal recessive inheritance. Affected: yes. Not counted in ClinVar's aggregate classification.
Comment: Classified as Uncertain significance according to the ACMG/AMP 2015 guidelines (PMID:25741868). The classification was based on the available submitted evidence for Wilson disease (OMIM:277900), including clinical-testing observations, variant consequence/protein annotation, and published or ClinVar evidence where available. Supporting information considered: variant annotation: p.Thr888Pro; Missense; Protein domain: P-domain-enriched; submitted notation: NM_000053.4:c.2662A>C (p.Thr888Pro); source variant type: Missense; source domain: P-domain-enriched; allele count n=230: 5.
ClinVar note: Reason: Outlier claim with insufficient supporting evidence

Literature cited by the submitters: PubMed 37020998 (cited by Natera, Inc.); PubMed 35220961 (cited by Natera, Inc.); PubMed 23843956 (cited by Color Diagnostics, LLC DBA Color Health and Labcorp Genetics (formerly Invitae), Labcorp); PubMed 24146181 (cited by Color Diagnostics, LLC DBA Color Health); PubMed 27022412 (cited by Color Diagnostics, LLC DBA Color Health); PubMed 27398169 (cited by Color Diagnostics, LLC DBA Color Health and Labcorp Genetics (formerly Invitae), Labcorp); PubMed 30384382 (cited by Color Diagnostics, LLC DBA Color Health); PubMed 30702195 (cited by Color Diagnostics, LLC DBA Color Health); PubMed 33879678 (cited by Color Diagnostics, LLC DBA Color Health); PubMed 34240825 (cited by Color Diagnostics, LLC DBA Color Health); PubMed 34324271 (cited by Color Diagnostics, LLC DBA Color Health); PubMed 35222532 (cited by Color Diagnostics, LLC DBA Color Health); PubMed 35245129 (cited by Color Diagnostics, LLC DBA Color Health); PubMed 35470480 (cited by Color Diagnostics, LLC DBA Color Health).

NM_000053.4(ATP7B):c.2662A>C (p.Thr888Pro)

Gene: ATP7B (ATPase copper transporting beta; minus strand). Cytogenetic location: 13q14.3.
Variant type: single nucleotide variant.
Coding change: c.2662A>C on transcript NM_000053.4 (MANE Select); coding-DNA position 2662, A replaced by C.
Protein change: p.Thr888Pro; replaces threonine 888 with proline.
Molecular consequence: missense variant.
Genome position (GRCh38, 1-based): chr13:51,950,075, T>G on the plus strand (A>C on the coding strand, the complement: ATP7B is on the minus strand). VCF-style: chr13-51950075-T-G. GRCh37 (hg19) VCF-style: chr13-52524211-T-G.
Other names: c.2176A>C, p.Thr726Pro (NM_001005918.3); c.2329A>C, p.Thr777Pro (NM_001243182.2); c.2428A>C, p.Thr810Pro (NM_001330578.2); c.2410A>C, p.Thr804Pro (NM_001330579.2); short protein forms T726P, T810P, T888P, T777P, T804P.
Identifiers: ClinVar variation 642900 (VCV000642900.23), dbSNP rs1455758826, ClinGen allele CA388034454.